The following is an entry in ClinVar:

ClinVar aggregate classification (germline): Uncertain significance. Review status: criteria provided, multiple submitters, no conflicts (2 of 4 stars). 4 submissions from 4 submitters: Uncertain significance (4). Last evaluated 2025-11-05.

Conditions:
Hereditary cancer-predisposing syndrome. Also called: Tumor predisposition; Hereditary Cancer Syndrome; Hereditary neoplastic syndrome; Neoplastic Syndromes, Hereditary. Identifiers: Orphanet 140162, MedGen C0027672, MeSH D009386, MONDO:0015356.
Neurofibromatosis, type 2 (SWNV). Also called: BILATERAL ACOUSTIC NEUROFIBROMATOSIS; SCHWANNOMATOSIS, VESTIBULAR; NF2-Related Schwannomatosis. Identifiers: Orphanet 637, MedGen C0027832, MONDO:0007039, OMIM 101000. Disease mechanism: loss of function.

Allele frequency attached by ClinVar (database versions not stated): TOPMed 0.00001.

Submissions (4):

Labcorp Genetics (formerly Invitae), Labcorp
Classification: Uncertain significance for Neurofibromatosis, type 2. Last evaluated: 2025-11-05. Review status: criteria provided, single submitter. Criteria: Invitae Variant Classification Sherloc (09022015). Collection method: clinical testing. Allele origin: germline.
Comment: This sequence change replaces valine, which is neutral and non-polar, with alanine, which is neutral and non-polar, at codon 282 of the NF2 protein (p.Val282Ala). This variant is not present in population databases (gnomAD no frequency). This variant has not been reported in the literature in individuals affected with NF2-related conditions. ClinVar contains an entry for this variant (Variation ID: 822464). Invitae Evidence Modeling of protein sequence and biophysical properties (such as structural, functional, and spatial information, amino acid conservation, physicochemical variation, residue mobility, and thermodynamic stability) indicates that this missense variant is not expected to disrupt NF2 protein function with a negative predictive value of 80%. In summary, the available evidence is currently insufficient to determine the role of this variant in disease. Therefore, it has been classified as a Variant of Uncertain Significance.

Ambry Genetics
Classification: Uncertain significance for Hereditary cancer-predisposing syndrome. Last evaluated: 2024-05-22. Review status: criteria provided, single submitter. Criteria: Ambry Variant Classification Scheme 2023. Collection method: clinical testing. Allele origin: germline.
Comment: The p.V282A variant (also known as c.845T>C), located in coding exon 9 of the NF2 gene, results from a T to C substitution at nucleotide position 845. The valine at codon 282 is replaced by alanine, an amino acid with similar properties. This amino acid position is highly conserved in available vertebrate species. In addition, the in silico prediction for this alteration is inconclusive. Since supporting evidence is limited at this time, the clinical significance of this alteration remains unclear.

All of Us Research Program, National Institutes of Health
Classification: Uncertain significance for Neurofibromatosis, type 2. Last evaluated: 2023-11-30. Review status: criteria provided, single submitter. Criteria: ACMG Guidelines, 2015. Collection method: clinical testing. Allele origin: germline. Inheritance: Autosomal dominant inheritance. Observed: 1 variant allele, 1 heterozygote.
Comment: This study involves interpretation of variants in research participants for the purpose of population health screening. Participant phenotype was not available at the time of variant classification. Additional details can be found in publication PMID: 35346344, PMCID: PMC8962531

Genome-Nilou Lab
Classification: Uncertain significance for Neurofibromatosis, type 2. Last evaluated: 2021-11-07. Review status: criteria provided, single submitter. Criteria: ACMG Guidelines, 2015. Collection method: clinical testing. Allele origin: germline. Affected: no.

NM_000268.4(NF2):c.845T>C (p.Val282Ala)

Gene: NF2 (NF2, moesin-ezrin-radixin like (MERLIN) tumor suppressor; plus strand). Cytogenetic location: 22q12.2.
Variant type: single nucleotide variant.
Coding change: c.845T>C on transcript NM_000268.4 (MANE Select); coding-DNA position 845, T replaced by C.
Protein change: p.Val282Ala; replaces valine 282 with alanine.
Molecular consequence: missense variant. On other transcripts: non-coding transcript variant (1), intron variant (1).
Genome position (GRCh38, 1-based): chr22:29,665,024, T>C. VCF-style: chr22-29665024-T-C. GRCh37 (hg19) VCF-style: chr22-30061013-T-C.
Other names: c.845T>C, p.Val282Ala (NM_016418.5, NM_181825.3, NM_181832.3); c.719T>C, p.Val240Ala (NM_181828.3); c.722T>C, p.Val241Ala (NM_181829.3); c.596T>C, p.Val199Ala (NM_181830.3, NM_181831.3); c.447+22739T>C (NM_181833.3); short protein forms V241A, V282A, V240A, V199A.
Identifiers: ClinVar variation 822464 (VCV000822464.17), dbSNP rs1601630493, ClinGen allele CA411144627.